The following is an entry in ClinVar:

ClinVar aggregate classification (germline): Uncertain significance (1 of 4 stars; one submission).

Allele frequency attached by ClinVar (database versions not stated): TOPMed below 0.00001; ExAC 0.00001; gnomAD 0.00001; gnomAD exomes 0.00001.
gnomAD v4.1: 5 of 1,613,710 alleles (0.00031%); highest among the groups gnomAD compares: East Asian, 0.011%; no homozygotes.

Submission:

Labcorp Genetics (formerly Invitae), Labcorp
Classification: Uncertain significance. Last evaluated: 2025-01-06. Review status: criteria provided, single submitter. Criteria: Invitae Variant Classification Sherloc (09022015). Collection method: clinical testing. Allele origin: germline.
Comment: This sequence change replaces glycine, which is neutral and non-polar, with serine, which is neutral and polar, at codon 320 of the RAI1 protein (p.Gly320Ser). This variant is present in population databases (rs757276303, gnomAD 0.03%). This variant has not been reported in the literature in individuals affected with RAI1-related conditions. ClinVar contains an entry for this variant (Variation ID: 2959467). An algorithm developed to predict the effect of missense changes on protein structure and function outputs the following: PolyPhen-2: "Benign". The serine amino acid residue is found in multiple mammalian species, which suggests that this missense change does not adversely affect protein function. In summary, the available evidence is currently insufficient to determine the role of this variant in disease. Therefore, it has been classified as a Variant of Uncertain Significance.

NM_030665.4(RAI1):c.958G>A (p.Gly320Ser)

Gene: RAI1 (retinoic acid induced 1; plus strand). Cytogenetic location: 17p11.2.
Variant type: single nucleotide variant.
Coding change: c.958G>A on transcript NM_030665.4 (MANE Select); coding-DNA position 958, G replaced by A.
Protein change: p.Gly320Ser; replaces glycine 320 with serine.
Molecular consequence: missense variant.
Genome position (GRCh38, 1-based): chr17:17,793,906, G>A. VCF-style: chr17-17793906-G-A. GRCh37 (hg19) VCF-style: chr17-17697220-G-A.
Other names: short protein forms G320S.
Identifiers: ClinVar variation 2959467 (VCV002959467.3), dbSNP rs757276303, ClinGen allele CA8418238.